The following is an entry in ClinVar:

ClinVar aggregate classification (germline): Uncertain significance (1 of 4 stars; one submission).

Submission:

GeneDx
Classification: Uncertain significance. Last evaluated: 2024-05-02. Review status: criteria provided, single submitter. Criteria: GeneDx Variant Classification Process June 2021. Collection method: clinical testing. Allele origin: germline. Affected: yes.
Comment: Not observed at significant frequency in large population cohorts (gnomAD); In silico analysis indicates that this missense variant does not alter protein structure/function; Has not been previously published as pathogenic or benign to our knowledge

NM_001256864.2(DNAJC6):c.1593G>C (p.Lys531Asn)

Gene: DNAJC6 (DnaJ heat shock protein family (Hsp40) member C6; plus strand). Cytogenetic location: 1p31.3.
Variant type: single nucleotide variant.
Coding change: c.1593G>C on transcript NM_001256864.2 (MANE Select); coding-DNA position 1593, G replaced by C.
Protein change: p.Lys531Asn; replaces lysine 531 with asparagine.
Molecular consequence: missense variant.
Genome position (GRCh38, 1-based): chr1:65,392,555, G>C. VCF-style: chr1-65392555-G-C. GRCh37 (hg19) VCF-style: chr1-65858238-G-C.
Other names: c.1383G>C, p.Lys461Asn (NM_001256865.2); c.1422G>C, p.Lys474Asn (NM_014787.4); short protein forms K461N, K474N, K531N.
Identifiers: ClinVar variation 3375884 (VCV003375884.1).